The following is an entry in ClinVar:

ClinVar aggregate classification (germline): Uncertain significance (1 of 4 stars; one submission).

Conditions:
Deficiency of hydroxymethylglutaryl-CoA lyase (HMGCLD). Also called: HMG-CoA LYASE DEFICIENCY; HMGCL DEFICIENCY; HYDROXYMETHYLGLUTARIC ACIDURIA; Defect in leucine metabolism; 3-hydroxy-3-methylglutaric aciduria. Identifiers: Orphanet 20, MedGen C1533587, MONDO:0009520, OMIM 246450.

Allele frequency attached by ClinVar (database versions not stated): ExAC 0.00001; gnomAD exomes 0.00001.
gnomAD v4.1: 13 of 1,614,052 alleles (0.00081%); highest among the groups gnomAD compares: Non-Finnish European, 0.0011%; no homozygotes.

Submission:

Labcorp Genetics (formerly Invitae), Labcorp
Classification: Uncertain significance for Deficiency of hydroxymethylglutaryl-CoA lyase. Last evaluated: 2022-07-05. Review status: criteria provided, single submitter. Criteria: Invitae Variant Classification Sherloc (09022015). Collection method: clinical testing. Allele origin: germline.
Comment: This sequence change replaces proline, which is neutral and non-polar, with arginine, which is basic and polar, at codon 267 of the HMGCL protein (p.Pro267Arg). This variant is present in population databases (rs750347526, gnomAD 0.002%). This variant has not been reported in the literature in individuals affected with HMGCL-related conditions. ClinVar contains an entry for this variant (Variation ID: 1407539). Algorithms developed to predict the effect of missense changes on protein structure and function (SIFT, PolyPhen-2, Align-GVGD) all suggest that this variant is likely to be disruptive. In summary, the available evidence is currently insufficient to determine the role of this variant in disease. Therefore, it has been classified as a Variant of Uncertain Significance.

NM_000191.3(HMGCL):c.800C>G (p.Pro267Arg)

Gene: HMGCL (3-hydroxy-3-methylglutaryl-CoA lyase; minus strand). Cytogenetic location: 1p36.11.
Variant type: single nucleotide variant.
Coding change: c.800C>G on transcript NM_000191.3 (MANE Select); coding-DNA position 800, C replaced by G.
Protein change: p.Pro267Arg; replaces proline 267 with arginine.
Molecular consequence: missense variant.
Genome position (GRCh38, 1-based): chr1:23,804,476, G>C on the plus strand (C>G on the coding strand, the complement: HMGCL is on the minus strand). VCF-style: chr1-23804476-G-C. GRCh37 (hg19) VCF-style: chr1-24130966-G-C.
Other names: c.587C>G, p.Pro196Arg (NM_001166059.2); short protein forms P196R, P267R.
Identifiers: ClinVar variation 1407539 (VCV001407539.3), dbSNP rs750347526, ClinGen allele CA685909.